The following is an entry in ClinVar:

NM_000540.3(RYR1):c.7809C>T (p.Ile2603=)

Gene: RYR1 (ryanodine receptor 1; plus strand). Cytogenetic location: 19q13.2.
Variant type: single nucleotide variant.
Coding change: c.7809C>T on transcript NM_000540.3 (MANE Select); coding-DNA position 7809, C replaced by T.
Protein change: p.Ile2603=; no amino-acid change (isoleucine 2603 retained).
Molecular consequence: synonymous variant.
Genome position (GRCh38, 1-based): chr19:38,502,701, C>T. VCF-style: chr19-38502701-C-T. GRCh37 (hg19) VCF-style: chr19-38993341-C-T.
Other names: c.7809C>T, p.Ile2603= (NM_001042723.2).
Identifiers: ClinVar variation 1153899 (VCV001153899.12), dbSNP rs200542387, ClinGen allele CA070316.

ClinVar aggregate classification (germline): Likely benign. Review status: criteria provided, multiple submitters, no conflicts (2 of 4 stars). 4 submissions from 4 submitters: Likely benign (4). Last evaluated 2025-12-22.

Conditions:
Malignant hyperthermia, susceptibility to, 1 (MHS1). Also called: RYR1-Related Malignant Hyperthermia Susceptibility; Malignant hyperthermia suceptibility 1; Anesthesia related hyperthermia; Malignant hyperpyrexia; Fulminating hyperpyrexia; Pharmacogenic myopathy. Identifiers: Orphanet 423, MedGen C2930980, MONDO:0007783, OMIM 145600.
RYR1-related disorder. Also called: RYR1-related disorders; RYR1-related condition. Identifiers: MedGen CN239331.

Allele frequency attached by ClinVar (database versions not stated): gnomAD 0.00005; ExAC 0.00008; gnomAD exomes 0.00010; 1000 Genomes Project 30x 0.00016; 1000 Genomes Project 0.00020.
gnomAD v4.1: 64 of 1,561,120 alleles (0.0041%); highest among the groups gnomAD compares: South Asian, 0.024%; no homozygotes.

Submissions (4):

Labcorp Genetics (formerly Invitae), Labcorp
Classification: Likely benign for RYR1-related disorder. Last evaluated: 2025-12-22. Review status: criteria provided, single submitter. Criteria: Invitae Variant Classification Sherloc (09022015). Collection method: clinical testing. Allele origin: germline.

Blueprint Genetics
Classification: Likely benign. Last evaluated: 2024-10-18. Review status: criteria provided, single submitter. Criteria: ACMG Guidelines, 2015. Collection method: clinical testing. Allele origin: germline.

All of Us Research Program, National Institutes of Health
Classification: Likely benign for Malignant hyperthermia, susceptibility to, 1. Last evaluated: 2023-04-15. Review status: criteria provided, single submitter. Criteria: ACMG Guidelines, 2015. Collection method: clinical testing. Allele origin: germline. Inheritance: Autosomal dominant inheritance. Observed: 2 variant alleles, 2 heterozygotes.
Comment: This study involves interpretation of variants in research participants for the purpose of population health screening. Participant phenotype was not available at the time of variant classification. Additional details can be found in publication PMID: 35346344, PMCID: PMC8962531

Color Diagnostics, LLC DBA Color Health
Classification: Likely benign for Malignant hyperthermia, susceptibility to, 1. Last evaluated: 2022-11-06. Review status: criteria provided, single submitter. Criteria: ACMG Guidelines, 2015. Collection method: clinical testing. Allele origin: germline.